The following is an entry in ClinVar:

NM_182961.4(SYNE1):c.10807A>G (p.Met3603Val)

Gene: SYNE1 (spectrin repeat containing nuclear envelope protein 1; minus strand). Cytogenetic location: 6q25.2.
Variant type: single nucleotide variant.
Coding change: c.10807A>G on transcript NM_182961.4 (MANE Select); coding-DNA position 10807, A replaced by G.
Protein change: p.Met3603Val; replaces methionine 3603 with valine.
Molecular consequence: missense variant.
Genome position (GRCh38, 1-based): chr6:152,354,778, T>C on the plus strand (A>G on the coding strand, the complement: SYNE1 is on the minus strand). VCF-style: chr6-152354778-T-C. GRCh37 (hg19) VCF-style: chr6-152675913-T-C.
Other names: c.10828A>G, p.Met3610Val (NM_033071.5); short protein forms M3610V, M3603V.
Identifiers: ClinVar variation 2075972 (VCV002075972.4), dbSNP rs2488281666, ClinGen allele CA366125238.

ClinVar aggregate classification (germline): Uncertain significance (1 of 4 stars; one submission).

Conditions:
Emery-Dreifuss muscular dystrophy 4, autosomal dominant (EDMD4). Also called: EMERY-DREIFUSS MUSCULAR DYSTROPHY 4 WITH VARIABLE FEATURES. Identifiers: Orphanet 261, MedGen C2751807, MONDO:0013071, OMIM 612998.
Autosomal recessive ataxia, Beauce type. Also called: SYNE1 Deficiency; Spinocerebellar ataxia, autosomal recessive 8; ATAXIA, RECESSIVE, OF BEAUCE; SYNE1-Related Autosomal Recessive Cerebellar Ataxia. Identifiers: Orphanet 88644, MedGen C1853116, MONDO:0012549, OMIM 610743.

Submission:

Labcorp Genetics (formerly Invitae), Labcorp
Classification: Uncertain significance for Emery-Dreifuss muscular dystrophy 4, autosomal dominant; Autosomal recessive ataxia, Beauce type. Last evaluated: 2024-02-24. Review status: criteria provided, single submitter. Criteria: Invitae Variant Classification Sherloc (09022015). Collection method: clinical testing. Allele origin: germline.
Comment: This sequence change replaces methionine, which is neutral and non-polar, with valine, which is neutral and non-polar, at codon 3610 of the SYNE1 protein (p.Met3610Val). This variant is not present in population databases (gnomAD no frequency). This variant has not been reported in the literature in individuals affected with SYNE1-related conditions. ClinVar contains an entry for this variant (Variation ID: 2075972). Algorithms developed to predict the effect of missense changes on protein structure and function output the following: SIFT: "Not Available"; PolyPhen-2: "Benign"; Align-GVGD: "Not Available". The valine amino acid residue is found in multiple mammalian species, which suggests that this missense change does not adversely affect protein function. In summary, the available evidence is currently insufficient to determine the role of this variant in disease. Therefore, it has been classified as a Variant of Uncertain Significance.